The following is an entry in ClinVar:

NM_033380.3(COL4A5):c.2100A>G (p.Glu700=)

Gene: COL4A5 (collagen type IV alpha 5 chain; plus strand). Cytogenetic location: Xq22.3.
Variant type: single nucleotide variant.
Coding change: c.2100A>G on transcript NM_033380.3 (MANE Select); coding-DNA position 2100, A replaced by G.
Protein change: p.Glu700=; no amino-acid change (glutamic acid 700 retained).
Molecular consequence: synonymous variant.
Genome position (GRCh38, 1-based): chrX:108,601,943, A>G. VCF-style: chrX-108601943-A-G. GRCh37 (hg19) VCF-style: chrX-107845173-A-G.
Other names: c.2100A>G, p.Glu700= (NM_000495.5).
Identifiers: ClinVar variation 799344 (VCV000799344.11), dbSNP rs1603292056, ClinGen allele CA517922815.

ClinVar aggregate classification (germline): Likely benign. Review status: criteria provided, multiple submitters, no conflicts (2 of 4 stars). 3 submissions from 3 submitters: Likely benign (2). 1 of the submissions does not count toward it. Last evaluated 2024-01-10.

Conditions:
COL4A5-related disorder. Also called: COL4A5-related condition.

Allele frequency attached by ClinVar (database versions not stated): gnomAD exomes below 0.00001.
gnomAD v4.1: 2 of 1,168,980 alleles (0.00017%); highest among the groups gnomAD compares: Non-Finnish European, 0.00023%; no homozygotes.

Submissions (3):

Blueprint Genetics
Classification: Likely benign. Last evaluated: 2024-01-10. Review status: criteria provided, single submitter. Criteria: ACMG Guidelines, 2015. Collection method: clinical testing. Allele origin: germline.

Labcorp Genetics (formerly Invitae), Labcorp
Classification: Likely benign. Last evaluated: 2023-11-05. Review status: criteria provided, single submitter. Criteria: Invitae Variant Classification Sherloc (09022015). Collection method: clinical testing. Allele origin: germline.

PreventionGenetics, part of Exact Sciences
Classification: Likely benign for COL4A5-related condition. Last evaluated: 2024-01-30. Review status: no assertion criteria provided. Collection method: clinical testing. Allele origin: germline. Not counted in ClinVar's aggregate classification.
Comment: This variant is classified as likely benign based on ACMG/AMP sequence variant interpretation guidelines (Richards et al. 2015 PMID: 25741868, with internal and published modifications).